The following is an entry in ClinVar:

ClinVar aggregate classification (germline): Uncertain significance (1 of 4 stars; one submission).

Conditions:
Hereditary cancer-predisposing syndrome. Also called: Tumor predisposition; Hereditary Cancer Syndrome; Hereditary neoplastic syndrome; Neoplastic Syndromes, Hereditary. Identifiers: Orphanet 140162, MedGen C0027672, MeSH D009386, MONDO:0015356.
Familial thoracic aortic aneurysm and aortic dissection (TAAD). Also called: Thoracic aortic aneurysms and dissections. Identifiers: Orphanet 91387, MedGen C4707243, MONDO:0019625.

Submission:

Ambry Genetics
Classification: Uncertain significance for Hereditary cancer-predisposing syndrome; Familial thoracic aortic aneurysm and aortic dissection. Last evaluated: 2025-12-09. Review status: criteria provided, single submitter. Criteria: Ambry Variant Classification Scheme 2023. Collection method: clinical testing. Allele origin: germline.
Comment: The p.M294L variant (also known as c.880A>C), located in coding exon 6 of the SMAD4 gene, results from an A to C substitution at nucleotide position 880. The methionine at codon 294 is replaced by leucine, an amino acid with highly similar properties. This amino acid position is well conserved in available vertebrate species. In addition, the in silico prediction for this alteration is inconclusive. Based on the available evidence, the clinical significance of this variant remains unclear.

NM_005359.6(SMAD4):c.880A>C (p.Met294Leu)

Gene: SMAD4 (SMAD family member 4; plus strand). Cytogenetic location: 18q21.2.
Variant type: single nucleotide variant.
Coding change: c.880A>C on transcript NM_005359.6 (MANE Select); coding-DNA position 880, A replaced by C.
Protein change: p.Met294Leu; replaces methionine 294 with leucine.
Molecular consequence: missense variant. On other transcripts: non-coding transcript variant (2).
Genome position (GRCh38, 1-based): chr18:51,058,432, A>C. VCF-style: chr18-51058432-A-C. GRCh37 (hg19) VCF-style: chr18-48584802-A-C.
Other names: c.880A>C, p.Met294Leu (NM_001407041.1, NM_001407042.1, NM_001407043.1); short protein forms M294L.
Identifiers: ClinVar variation 4559155 (VCV004559155.1).